The following is an entry in ClinVar:

ClinVar aggregate classification (germline): Uncertain significance (1 of 4 stars; one submission).

gnomAD v4.1: 1 of 1,552,194 alleles (0.000064%); highest among the groups gnomAD compares: East Asian, 0.0024%; no homozygotes.

Submission:

Labcorp Genetics (formerly Invitae), Labcorp
Classification: Uncertain significance. Last evaluated: 2024-03-20. Review status: criteria provided, single submitter. Criteria: Invitae Variant Classification Sherloc (09022015). Collection method: clinical testing. Allele origin: germline.
Comment: This sequence change replaces glutamic acid, which is acidic and polar, with lysine, which is basic and polar, at codon 2533 of the WDR87 protein (p.Glu2533Lys). This variant is not present in population databases (gnomAD no frequency). This variant has not been reported in the literature in individuals affected with WDR87-related conditions. Algorithms developed to predict the effect of missense changes on protein structure and function output the following: SIFT: "Not Available"; PolyPhen-2: "Not Available"; Align-GVGD: "Not Available". The lysine amino acid residue is found in multiple mammalian species, which suggests that this missense change does not adversely affect protein function. In summary, the available evidence is currently insufficient to determine the role of this variant in disease. Therefore, it has been classified as a Variant of Uncertain Significance.

NM_001291088.2(WDR87):c.7714G>A (p.Glu2572Lys)

Gene: WDR87 (WD repeat domain 87; minus strand). Cytogenetic location: 19q13.13.
Variant type: single nucleotide variant.
Coding change: c.7714G>A on transcript NM_001291088.2 (MANE Select); coding-DNA position 7714, G replaced by A.
Protein change: p.Glu2572Lys; replaces glutamic acid 2572 with lysine.
Molecular consequence: missense variant.
Genome position (GRCh38, 1-based): chr19:37,885,957, C>T on the plus strand (G>A on the coding strand, the complement: WDR87 is on the minus strand). VCF-style: chr19-37885957-C-T. GRCh37 (hg19) VCF-style: chr19-38376597-C-T.
Other names: c.7597G>A, p.Glu2533Lys (NM_031951.5); short protein forms E2533K, E2572K.
Identifiers: ClinVar variation 3647097 (VCV003647097.2).
Genomic context (GRCh38, chr19:37,885,957, plus strand): 5'-GCAGCTGGCACAGTCTATGGAAACCATCCCTGGAAAGCTGTTCTCCCGCTTCCATTCGTT[C>T]TAGGACATGGCGGATCCACTCTACATCTGAGAGGCTTACGTCTGCATGTTGTTCCTTAGC-3'
Protein context (NP_001278017.1, residues 2562-2582): SDVEWIRHVL[Glu2572Lys]RMEAGEQLSR